The following is an entry in ClinVar:

NM_147127.5(EVC2):c.2585T>A (p.Met862Lys)

Gene: EVC2 (EvC ciliary complex subunit 2; minus strand). Cytogenetic location: 4p16.2.
Variant type: single nucleotide variant.
Coding change: c.2585T>A on transcript NM_147127.5 (MANE Select); coding-DNA position 2585, T replaced by A.
Protein change: p.Met862Lys; replaces methionine 862 with lysine.
Molecular consequence: missense variant.
Genome position (GRCh38, 1-based): chr4:5,618,599, A>T on the plus strand (T>A on the coding strand, the complement: EVC2 is on the minus strand). VCF-style: chr4-5618599-A-T. GRCh37 (hg19) VCF-style: chr4-5620326-A-T.
Other names: c.2345T>A, p.Met782Lys (NM_001166136.2); short protein forms M862K, M782K.
Identifiers: ClinVar variation 1958215 (VCV001958215.5), dbSNP rs2475360942, ClinGen allele CA356143490.

ClinVar aggregate classification (germline): Uncertain significance (1 of 4 stars; one submission).

Conditions:
Ellis-van Creveld syndrome (EVC). Also called: EVC-Related Ellis-van Creveld Syndrome; EVC2-Related Ellis-van Creveld Syndrome; MESOECTODERMAL DYSPLASIA; Chondroectodermal dysplasia. Identifiers: Orphanet 289, MedGen C0013903, MONDO:0009162, OMIM 225500.
Curry-Hall syndrome (WAD). Also called: WEYERS ACRODENTAL DYSOSTOSIS. Identifiers: Orphanet 952, MedGen C0457013, MONDO:0008673, OMIM 193530.

Submission:

Labcorp Genetics (formerly Invitae), Labcorp
Classification: Uncertain significance for Curry-Hall syndrome; Ellis-van Creveld syndrome. Last evaluated: 2022-06-17. Review status: criteria provided, single submitter. Criteria: Invitae Variant Classification Sherloc (09022015). Collection method: clinical testing. Allele origin: germline.
Comment: In summary, the available evidence is currently insufficient to determine the role of this variant in disease. Therefore, it has been classified as a Variant of Uncertain Significance. Algorithms developed to predict the effect of missense changes on protein structure and function are either unavailable or do not agree on the potential impact of this missense change (SIFT: "Deleterious"; PolyPhen-2: "Benign"; Align-GVGD: "Class C55"). This variant has not been reported in the literature in individuals affected with EVC2-related conditions. This variant is not present in population databases (gnomAD no frequency). This sequence change replaces methionine, which is neutral and non-polar, with lysine, which is basic and polar, at codon 862 of the EVC2 protein (p.Met862Lys).